The following is an entry in ClinVar:

NM_138576.4(BCL11B):c.427G>A (p.Gly143Arg)

Gene: BCL11B (BCL11 transcription factor B; minus strand). Cytogenetic location: 14q32.2.
Variant type: single nucleotide variant.
Coding change: c.427G>A on transcript NM_138576.4 (MANE Select); coding-DNA position 427, G replaced by A.
Protein change: p.Gly143Arg; replaces glycine 143 with arginine.
Molecular consequence: missense variant.
Genome position (GRCh38, 1-based): chr14:99,257,471, C>T on the plus strand (G>A on the coding strand, the complement: BCL11B is on the minus strand). VCF-style: chr14-99257471-C-T. GRCh37 (hg19) VCF-style: chr14-99723808-C-T.
Other names: c.424G>A, p.Gly142Arg (NM_001282237.2); c.424G>A, p.Gly142Ser (NM_001282238.2); c.427G>A, p.Gly143Ser (NM_022898.3); short protein forms G142R, G142S, G143R, G143S.
Identifiers: ClinVar variation 1712236 (VCV001712236.2), dbSNP rs2503926096, ClinGen allele CA390938506.
Genomic context (GRCh38, chr14:99,257,471, plus strand): 5'-GAGGGCATGGGACCCAGGAGGTGGCTTCCACAGCAACCAGGCAAGCGCAGCATCCCATAC[C>T]TGCAATGTTCTCCTGCTTGGGACAGATGCCTTTCGTGGGTGAGAGCAGGTGGTCATCTTC-3'
Protein context (NP_612808.1, residues 133-153): GICPKQENIA[Gly143Arg]PCRPAQLPAV

ClinVar aggregate classification (germline): Uncertain significance (1 of 4 stars; one submission).

Submission:

GeneDx
Classification: Uncertain significance. Last evaluated: 2022-04-18. Review status: criteria provided, single submitter. Criteria: GeneDx Variant Classification Process June 2021. Collection method: clinical testing. Allele origin: germline. Affected: yes.
Comment: Not observed at significant frequency in large population cohorts (gnomAD); In silico analysis supports that this missense variant has a deleterious effect on protein structure/function; Has not been previously published as pathogenic or benign to our knowledge